The following is an entry in ClinVar:

ClinVar aggregate classification (germline): Benign (1 of 4 stars; one submission).

Allele frequency attached by ClinVar (database versions not stated): gnomAD exomes 0.00032; gnomAD 0.00040; TOPMed 0.00045; ExAC 0.00046; ESP Exome Variant Server 0.00048.
gnomAD v4.1: 572 of 1,613,772 alleles (0.035%); highest among the groups gnomAD compares: Middle Eastern, 0.016%; 4 homozygotes.

Submission:

CeGaT Center for Human Genetics Tuebingen
Classification: Benign. Last evaluated: 2023-06-01. Review status: criteria provided, single submitter. Criteria: CeGaT Center For Human Genetics Tuebingen Variant Classification Criteria Version 2. Collection method: clinical testing. Allele origin: germline. Affected: yes. Observed: 1 variant allele.
Comment: INPP5D: BS1, BS2

NM_001017915.3(INPP5D):c.1296A>G (p.Gly432=)

Gene: INPP5D (inositol polyphosphate-5-phosphatase D; plus strand). Cytogenetic location: 2q37.1.
Variant type: single nucleotide variant.
Coding change: c.1296A>G on transcript NM_001017915.3 (MANE Select); coding-DNA position 1296, A replaced by G.
Protein change: p.Gly432=; no amino-acid change (glycine 432 retained).
Molecular consequence: synonymous variant.
Genome position (GRCh38, 1-based): chr2:233,163,762, A>G. VCF-style: chr2-233163762-A-G. GRCh37 (hg19) VCF-style: chr2-234072408-A-G.
Other names: c.1293A>G, p.Gly431= (NM_005541.5).
Identifiers: ClinVar variation 2652017 (VCV002652017.24), dbSNP rs201621038, ClinGen allele CA2172719.
Genomic context (GRCh38, chr2:233,163,762, plus strand): 5'-TGAAGGTAACGCCCCCCCTCCCAAGAAGATCACGTCCTGGTTTCTCTCCAAGGGGCAGGG[A>G]AAGACGCGGGACGACTCTGCGGACTACATCCCCCATGACATTTACGTGATCGGCACCCAA-3'
Protein context (NP_001017915.1, residues 422-442): ITSWFLSKGQ[Gly432=]KTRDDSADYI